The following is an entry in ClinVar:

ClinVar aggregate classification (germline): Uncertain significance. Review status: criteria provided, multiple submitters, no conflicts (2 of 4 stars). 3 submissions from 3 submitters: Uncertain significance (3). Last evaluated 2024-02-27.

Conditions:
Spinocerebellar ataxia, autosomal recessive, with axonal neuropathy 1 (SCAN1). Identifiers: Orphanet 94124, MedGen C4759870, MONDO:0011801, OMIM 607250.

Allele frequency attached by ClinVar (database versions not stated): ExAC 0.00007; gnomAD exomes 0.00010 and 0.00034; gnomAD 0.00016 and 0.00017; TOPMed 0.00019; ESP Exome Variant Server 0.00023.
gnomAD v4.1: 531 of 1,614,062 alleles (0.033%); highest among the groups gnomAD compares: Non-Finnish European, 0.042%; no homozygotes.

Submissions (3):

Athena Diagnostics
Classification: Uncertain significance. Last evaluated: 2024-02-27. Review status: criteria provided, single submitter. Criteria: Athena Diagnostics Criteria. Collection method: clinical testing. Allele origin: unknown.
Comment: Available data are insufficient to determine the clinical significance of the variant at this time. The frequency of this variant in the general population is uninformative in assessment of its pathogenicity. Computational tools predict that this variant is damaging.

Mayo Clinic Laboratories, Mayo Clinic
Classification: Uncertain significance. Last evaluated: 2022-09-13. Review status: criteria provided, single submitter. Criteria: ACMG Guidelines, 2015. Collection method: clinical testing. Allele origin: germline. Observed: 1 variant allele.
Comment: BP4

Illumina Laboratory Services, Illumina
Classification: Uncertain significance for Spinocerebellar ataxia, autosomal recessive, with axonal neuropathy 1. Last evaluated: 2017-04-27. Review status: criteria provided, single submitter. Criteria: ICSL Variant Classification Criteria 13 December 2019. Collection method: clinical testing. Allele origin: germline.
Comment: This variant was observed as part of a predisposition screen in an ostensibly healthy population. A literature search was performed for the gene, cDNA change, and amino acid change (where applicable). Publications were found based on this search. However, the evidence from the literature, in combination with allele frequency data from public databases where available, was not sufficient to rule this variant in or out of causing disease. Therefore, this variant is classified as a variant of unknown significance.

Literature cited by the submitters: PubMed 24355542 (cited by Mayo Clinic Laboratories, Mayo Clinic and Illumina Laboratory Services, Illumina).

NM_018319.4(TDP1):c.137A>G (p.Tyr46Cys)

Genes: TDP1 (tyrosyl-DNA phosphodiesterase 1; plus strand), LOC126862019 (CDK7 strongly-dependent group 2 enhancer GRCh37_chr14:90429220-90430419; plus strand). Cytogenetic location: 14q32.11.
Variant type: single nucleotide variant.
Coding change: c.137A>G on transcript NM_018319.4 (MANE Select); coding-DNA position 137, A replaced by G.
Protein change: p.Tyr46Cys; replaces tyrosine 46 with cysteine.
Molecular consequence: missense variant.
Genome position (GRCh38, 1-based): chr14:89,963,251, A>G. VCF-style: chr14-89963251-A-G. GRCh37 (hg19) VCF-style: chr14-90429595-A-G.
Other names: p.Tyr46Cys; c.137A>G, p.Tyr46Cys (NM_001008744.2, NM_001330205.2); short protein forms Y46C.
Identifiers: ClinVar variation 805648 (VCV000805648.8), dbSNP rs141387488, ClinGen allele CA7303522.